The following is an entry in ClinVar:

ClinVar aggregate classification (germline): Uncertain significance (1 of 4 stars; one submission).

Conditions:
Spastic paraplegia. Identifiers: MedGen C0037772, HP:0001258.

Allele frequency attached by ClinVar (database versions not stated): TOPMed below 0.00001; gnomAD 0.00001; gnomAD exomes 0.00001 and 0.00002; ExAC 0.00003.
gnomAD v4.1: 17 of 1,610,282 alleles (0.0011%); highest among the groups gnomAD compares: Middle Eastern, 0.017%; no homozygotes.

Submission:

Labcorp Genetics (formerly Invitae), Labcorp
Classification: Uncertain significance for Spastic paraplegia. Last evaluated: 2024-04-15. Review status: criteria provided, single submitter. Criteria: Invitae Variant Classification Sherloc (09022015). Collection method: clinical testing. Allele origin: germline.
Comment: This sequence change falls in intron 7 of the HSPD1 gene. It does not directly change the encoded amino acid sequence of the HSPD1 protein. It affects a nucleotide within the consensus splice site. This variant is present in population databases (rs749804768, gnomAD 0.02%). This variant has not been reported in the literature in individuals affected with HSPD1-related conditions. This variant has been observed in at least one individual who was not affected with HSPD1-related conditions (Invitae). ClinVar contains an entry for this variant (Variation ID: 955295). Variants that disrupt the consensus splice site are a relatively common cause of aberrant splicing (PMID: 17576681, 9536098). Algorithms developed to predict the effect of sequence changes on RNA splicing suggest that this variant may disrupt the consensus splice site. In summary, the available evidence is currently insufficient to determine the role of this variant in disease. Therefore, it has been classified as a Variant of Uncertain Significance.

Literature cited by the submitters: PubMed 17576681; PubMed 9536098.

NM_002156.5(HSPD1):c.869+4A>G

Gene: HSPD1 (heat shock protein family D (Hsp60) member 1; minus strand). Cytogenetic location: 2q33.1.
Variant type: single nucleotide variant.
Coding change: c.869+4A>G on transcript NM_002156.5 (MANE Select); 4 bases into the intron after coding-DNA position 869, A replaced by G.
Molecular consequence: intron variant.
Genome position (GRCh38, 1-based): chr2:197,493,320, T>C on the plus strand (A>G on the coding strand, the complement: HSPD1 is on the minus strand). VCF-style: chr2-197493320-T-C. GRCh37 (hg19) VCF-style: chr2-198358044-T-C.
Other names: c.869+4A>G (NM_199440.2).
Identifiers: ClinVar variation 955295 (VCV000955295.8), dbSNP rs749804768, ClinGen allele CA2043494.